The following is an entry in ClinVar:

NM_000552.5(VWF):c.7074C>T (p.Phe2358=)

Gene: VWF (von Willebrand factor; minus strand). Cytogenetic location: 12p13.31.
Variant type: single nucleotide variant.
Coding change: c.7074C>T on transcript NM_000552.5 (MANE Select); coding-DNA position 7074, C replaced by T.
Protein change: p.Phe2358=; no amino-acid change (phenylalanine 2358 retained).
Molecular consequence: synonymous variant.
Genome position (GRCh38, 1-based): chr12:5,983,157, G>A on the plus strand (C>T on the coding strand, the complement: VWF is on the minus strand). VCF-style: chr12-5983157-G-A. GRCh37 (hg19) VCF-style: chr12-6092323-G-A.
Identifiers: ClinVar variation 3251328 (VCV003251328.1), dbSNP rs2497425886.
Genomic context (GRCh38, chr12:5,983,157, plus strand): 5'-TCACACCAGCAGAGAGAGGCCACACCACCCCTCCTCATCCACAGAGGCCTTACCGCAGGT[G>A]AAGTTGGGTCTGCACTCGCCAGGGTTGGTCAGTGTGGGCTGGAGGCCACGTTCACAGTGA-3'
Protein context (NP_000543.3, residues 2348-2368): LTNPGECRPN[Phe2358=]TCACRKEECK

ClinVar aggregate classification (germline): Likely benign (1 of 4 stars; one submission).

Submission:

Women's Health and Genetics/Laboratory Corporation of America, LabCorp
Classification: Likely benign. Last evaluated: 2024-04-12. Review status: criteria provided, single submitter. Criteria: LabCorp Variant Classification Summary - May 2015. Collection method: clinical testing. Allele origin: germline.
Comment: Variant summary: VWF c.7074C>T alters a conserved nucleotide resulting in a synonymous change. Consensus agreement among computation tools predict no significant impact on normal splicing. However, these predictions have yet to be confirmed by functional studies. The variant was absent in 249524 control chromosomes. The available data on variant occurrences in the general population are insufficient to allow any conclusion about variant significance. To our knowledge, no occurrence of c.7074C>T in individuals affected with Von Willebrand Disease and no experimental evidence demonstrating its impact on protein function have been reported. No submitters have cited clinical-significance assessments for this variant to ClinVar. Based on the evidence outlined above, the variant was classified as likely benign.